The following is an entry in ClinVar:

ClinVar aggregate classification (germline): Likely benign. Review status: criteria provided, multiple submitters, no conflicts (2 of 4 stars). 3 submissions from 3 submitters: Likely benign (3). Last evaluated 2025-03-01.

Allele frequency attached by ClinVar (database versions not stated): gnomAD exomes 0.00007 and 0.00014; ExAC 0.00010; gnomAD 0.00019 and 0.00025; TOPMed 0.00030; 1000 Genomes Project 30x 0.00078; 1000 Genomes Project 0.00080.
gnomAD v4.1: 135 of 1,474,404 alleles (0.0092%); highest among the groups gnomAD compares: East Asian, 0.21%; no homozygotes.

Submissions (3):

CeGaT Center for Human Genetics Tuebingen
Classification: Likely benign. Last evaluated: 2025-03-01. Review status: criteria provided, single submitter. Criteria: CeGaT Center For Human Genetics Tuebingen Variant Classification Criteria Version 2. Collection method: clinical testing. Allele origin: germline. Affected: yes. Observed: 1 variant allele.
Comment: HEPACAM: BP4, BP7

Blueprint Genetics
Classification: Likely benign. Last evaluated: 2024-08-06. Review status: criteria provided, single submitter. Criteria: ACMG Guidelines, 2015. Collection method: clinical testing. Allele origin: germline.

Labcorp Genetics (formerly Invitae), Labcorp
Classification: Likely benign. Last evaluated: 2023-09-27. Review status: criteria provided, single submitter. Criteria: Invitae Variant Classification Sherloc (09022015). Collection method: clinical testing. Allele origin: germline.

NM_152722.5(HEPACAM):c.1164G>A (p.Ser388=)

Gene: HEPACAM (hepatic and glial cell adhesion molecule; minus strand). Cytogenetic location: 11q24.2.
Variant type: single nucleotide variant.
Coding change: c.1164G>A on transcript NM_152722.5 (MANE Select); coding-DNA position 1164, G replaced by A.
Protein change: p.Ser388=; no amino-acid change (serine 388 retained).
Molecular consequence: synonymous variant.
Genome position (GRCh38, 1-based): chr11:124,921,225, C>T on the plus strand (G>A on the coding strand, the complement: HEPACAM is on the minus strand). VCF-style: chr11-124921225-C-T. GRCh37 (hg19) VCF-style: chr11-124791121-C-T.
Identifiers: ClinVar variation 716325 (VCV000716325.14), dbSNP rs551364697, ClinGen allele CA6345546.